The following is an entry in ClinVar:

NM_004415.4(DSP):c.388C>T (p.Gln130Ter)

Gene: DSP (desmoplakin; plus strand). Cytogenetic location: 6p24.3.
Variant type: single nucleotide variant.
Coding change: c.388C>T on transcript NM_004415.4 (MANE Select); coding-DNA position 388, C replaced by T.
Protein change: p.Gln130Ter; replaces glutamine 130 with a stop codon.
Molecular consequence: nonsense.
Genome position (GRCh38, 1-based): chr6:7,558,230, C>T. VCF-style: chr6-7558230-C-T. GRCh37 (hg19) VCF-style: chr6-7558463-C-T.
Other names: c.388C>T, p.Gln130Ter (NM_001008844.3, NM_001319034.2, NM_001406591.1); short protein forms Q130*.
Identifiers: ClinVar variation 4788949 (VCV004788949.1).

ClinVar aggregate classification (germline): Pathogenic (1 of 4 stars; one submission).

Conditions:
Arrhythmogenic right ventricular dysplasia 8 (ARVD8). Also called: Arrhythmogenic Right Ventricular Dysplasia/Cardiomyopathy 8; ARRHYTHMOGENIC RIGHT VENTRICULAR DYSPLASIA, FAMILIAL, 8; ARRHYTHMOGENIC RIGHT VENTRICULAR CARDIOMYOPATHY 8. Identifiers: MedGen C1843896, MONDO:0011831, OMIM 607450.
Arrhythmogenic cardiomyopathy with wooly hair and keratoderma. Also called: Arrhythmogenic cardiomyopathy with woolly hair and keratoderma; PALMOPLANTAR KERATODERMA WITH LEFT VENTRICULAR CARDIOMYOPATHY AND WOOLLY HAIR; Carvajal syndrome; Dilated cardiomyopathy with woolly hair and keratoderma. Identifiers: Orphanet 65282, MedGen C1854063, MONDO:0011581, OMIM 605676.

Submission:

Labcorp Genetics (formerly Invitae), Labcorp
Classification: Pathogenic for Arrhythmogenic cardiomyopathy with wooly hair and keratoderma; Arrhythmogenic right ventricular dysplasia 8. Last evaluated: 2025-04-17. Review status: criteria provided, single submitter. Criteria: Invitae Variant Classification Sherloc (09022015). Collection method: clinical testing. Allele origin: germline.
Comment: This sequence change creates a premature translational stop signal (p.Gln130*) in the DSP gene. It is expected to result in an absent or disrupted protein product. Loss-of-function variants in DSP are known to be pathogenic (PMID: 20716751, 24503780, 25227139). This variant is not present in population databases (gnomAD no frequency). This variant has not been reported in the literature in individuals affected with DSP-related conditions. For these reasons, this variant has been classified as Pathogenic.

Literature cited by the submitters: PubMed 20716751; PubMed 24503780; PubMed 25227139.